The following is an entry in ClinVar:

NM_000179.3(MSH6):c.1295_1297del (p.Phe432del)

Gene: MSH6 (mutS homolog 6; plus strand). Cytogenetic location: 2p16.3.
Variant type: Deletion.
Coding change: c.1295_1297del on transcript NM_000179.3 (MANE Select); coding-DNA positions 1295 to 1297, 3 bases deleted (TTT; older notation c.1295_1297delTTT).
Protein change: p.Phe432del; deletes phenylalanine 432.
Molecular consequence: inframe deletion. On other transcripts: non-coding transcript variant (4), intron variant (1).
Genome position (GRCh38, 1-based): chr2:47,799,278-47,799,280, TTT deleted; deleting any 3 consecutive bases within chr2:47,799,277-47,799,280 gives the same sequence; the c. name uses the placement nearest the transcript's 3' end. VCF-style (leftmost placement, unchanged base first): chr2-47799276-ATTT-A. GRCh37 (hg19) VCF-style: chr2-48026415-ATTT-A.
Other names: c.905_907del, p.Phe302del (NM_001281492.2); c.389_391del, p.Phe130del (NM_001281493.2, NM_001281494.2, NM_001406811.1 and 6 more transcripts); c.1391_1393del, p.Phe464del (NM_001406795.1, NM_001406802.1); c.1295_1297del, p.Phe432del (NM_001406796.1, NM_001406798.1, NM_001406800.1 and 4 more transcripts); c.998_1000del, p.Phe333del (NM_001406797.1, NM_001406801.1, NM_001406805.1 and 10 more transcripts); c.770_772del, p.Phe257del (NM_001406799.1, NM_001406806.1, NM_001406807.1); c.1217_1219del, p.Phe406del (NM_001406804.1); c.1301_1303del, p.Phe434del (NM_001406813.1); and 2 more; short protein forms F130del, F257del, F302del, F333del, F376del, F406del, F432del, F434del.
Identifiers: ClinVar variation 3076134 (VCV003076134.1), dbSNP rs2530601567, ClinGen allele CA2825001115.

ClinVar aggregate classification (germline): Uncertain significance (1 of 4 stars; one submission).

Conditions:
Hereditary cancer-predisposing syndrome. Also called: Neoplastic Syndromes, Hereditary; Tumor predisposition; Hereditary neoplastic syndrome; Hereditary Cancer Syndrome. Identifiers: Orphanet 140162, MedGen C0027672, MeSH D009386, MONDO:0015356.

Submission:

Ambry Genetics
Classification: Uncertain significance for Hereditary cancer-predisposing syndrome. Last evaluated: 2018-01-18. Review status: criteria provided, single submitter. Criteria: Ambry Variant Classification Scheme 2023. Collection method: clinical testing. Allele origin: germline.
Comment: The c.1295_1297delTTT () alteration is located in exon 4 (coding exon 4) of the MSH6 gene. This alteration consists of an in-frame deletion of 3 nucleotides between nucleotide positions c.1295 and c.1297, resulting in the deletion of <NA> residues. Based on insufficient or conflicting evidence, the clinical significance of this alteration remains unclear.